The following is an entry in ClinVar:

ClinVar aggregate classification (germline): Uncertain significance (0 of 4 stars; one submission).

Conditions:
SYNE1-related disorder. Also called: SYNE1-related disease; SYNE1-related condition; SYNE1-related disorders.

Allele frequency attached by ClinVar (database versions not stated): gnomAD 0.00001.
gnomAD v4.1: 2 of 1,614,110 alleles (0.00012%); highest among the groups gnomAD compares: East Asian, 0.0022%; no homozygotes.

Submission:

PreventionGenetics, part of Exact Sciences
Classification: Uncertain significance for SYNE1-related condition. Last evaluated: 2024-02-19. Review status: no assertion criteria provided. Collection method: clinical testing. Allele origin: germline.
Comment: The SYNE1 c.17329A>T variant is predicted to result in the amino acid substitution p.Met5777Leu. To our knowledge, this variant has not been reported in the literature. This variant is reported in 0.064% of alleles in individuals of East Asian descent in gnomAD. At this time, the clinical significance of this variant is uncertain due to the absence of conclusive functional and genetic evidence.

NM_182961.4(SYNE1):c.17542A>T (p.Met5848Leu)

Gene: SYNE1 (spectrin repeat containing nuclear envelope protein 1; minus strand). Cytogenetic location: 6q25.2.
Variant type: single nucleotide variant.
Coding change: c.17542A>T on transcript NM_182961.4 (MANE Select); coding-DNA position 17542, A replaced by T.
Protein change: p.Met5848Leu; replaces methionine 5848 with leucine.
Molecular consequence: missense variant.
Genome position (GRCh38, 1-based): chr6:152,300,781, T>A on the plus strand (A>T on the coding strand, the complement: SYNE1 is on the minus strand). VCF-style: chr6-152300781-T-A. GRCh37 (hg19) VCF-style: chr6-152621916-T-A.
Other names: c.17329A>T, p.Met5777Leu (NM_033071.5); short protein forms M5777L, M5848L.
Identifiers: ClinVar variation 3061417 (VCV003061417.2), dbSNP rs1159077264, ClinGen allele CA366103560.